The following continues an entry in ClinVar:

NM_000218.3(KCNQ1):c.1189C>T (p.Arg397Trp)

Gene: KCNQ1. ClinVar aggregate classification (germline): Conflicting classifications of pathogenicity. Likely pathogenic (4); Uncertain significance (12); Likely benign (1).

Submissions 16 to 20 of 20:

Illumina Laboratory Services, Illumina
Classification: Likely pathogenic for Long QT Syndrome. Last evaluated: 2016-06-14. Review status: criteria provided, single submitter. Criteria: ICSL Variant Classification 20161018. Collection method: clinical testing. Allele origin: germline.
Comment: The c.1189C>T (p.Arg397Trp) variant has been identified in a heterozygous state in at least seven patients with clinically-diagnosed long QT syndrome, in a heterozygous state in three individuals with an unclear clinical diagnosis, and in a heterozygous state in two unaffected individuals (Moss et al. 2007; Kapa et al. 2009; Kapplinger et al. 2009; Amin et al. 2012; Ghouse et al. 2015). The p.Arg397Trp variant was absent from 2300 controls but is reported at a frequency of 0.00058 in the European American population of the Exome Sequencing Project. Functional studies of electrophysiological properties in HEK293 cells and Xenopus oocytes demonstrated that the p.Arg397Trp variant reduced the hIK currents and ATP sensitivity of the channel (Crotti et al. 2013; Li et al. 2013). Based on the evidence, the p.Arg397Trp variant is classified as likely pathogenic for long QT syndrome.

Genomic Diagnostic Laboratory, Division of Genomic Diagnostics, Children's Hospital of Philadelphia
Classification: Likely pathogenic for Long QT syndrome 1. Last evaluated: 2015-03-25. Review status: criteria provided, single submitter. Criteria: DGD Variant Analysis Guidelines. Collection method: clinical testing. Allele origin: unknown.

Lupski Lab, Baylor-Hopkins CMG, Baylor College of Medicine
Classification: Likely pathogenic for Wolff-Parkinson-White pattern. Last evaluated: 2017-07-14. Review status: no assertion criteria provided. Collection method: research. Allele origin: unknown. Affected: yes. Observed: 1 variant allele. Study: Candidate_variants_in_patients_with_ Wolff-Parkinson-White Syndrome. Not counted in ClinVar's aggregate classification.

Cardiovascular Biomedical Research Unit, Royal Brompton & Harefield NHS Foundation Trust
No classification provided. Condition: Familial long QT syndrome. Review status: no classification provided. Collection method: literature only. Allele origin: germline. Not counted in ClinVar's aggregate classification.
Comment: This variant has been reported as associated with Long QT syndrome in the following publications (PMID:17470695;PMID:19716085;PMID:19841300). This is a literature report, and does not necessarily reflect the clinical interpretation of the Imperial College / Royal Brompton Cardiovascular Genetics laboratory.

CSER _CC_NCGL, University of Washington
Classification: Likely benign for Long QT syndrome. Last evaluated: 2014-06-01. Review status: flagged submission. Collection method: research. Allele origin: germline. Inheritance: Autosomal dominant inheritance. Study: ESP 6500 variant annotation. Not counted in ClinVar's aggregate classification.
Comment: Variants classified for the Actionable exomic incidental findings in 6503 participants: challenges of variant classification manuscript
ClinVar note: Reason: Outlier claim with insufficient supporting evidence

Literature cited by the submitters: PubMed 17470695 (cited by 7 submitters); PubMed 19716085 (cited by 4 submitters); PubMed 19841300 (cited by 7 submitters); PubMed 23571586 (cited by 8 submitters); PubMed 24190995 (cited by 8 submitters); PubMed 25637381 (cited by Ambry Genetics); PubMed 25985138 (cited by Ambry Genetics and Laboratory for Molecular Medicine, Mass General Brigham Personalized Medicine); PubMed 26159999 (cited by 5 submitters); PubMed 28518168 (cited by Ambry Genetics); PubMed 30615648 (cited by 4 submitters); PubMed 25854863 (cited by Women's Health and Genetics/Laboratory Corporation of America, LabCorp); PubMed 22199116 (cited by 3 submitters); PubMed 39486665 (cited by Women's Health and Genetics/Laboratory Corporation of America, LabCorp); PubMed 39055936 (cited by Women's Health and Genetics/Laboratory Corporation of America, LabCorp and Color Diagnostics, LLC DBA Color Health); PubMed 24440382 (cited by 3 submitters); PubMed 32553227 (cited by 3 submitters); PubMed 37449562 (cited by Color Diagnostics, LLC DBA Color Health and All of Us Research Program, National Institutes of Health); PubMed 34505893 (cited by Labcorp Genetics (formerly Invitae), Labcorp); PubMed 37937776 (cited by Labcorp Genetics (formerly Invitae), Labcorp); PubMed 31737537 (cited by Molecular Genetics, Royal Melbourne Hospital); PubMed 22378279 (cited by Laboratory for Molecular Medicine, Mass General Brigham Personalized Medicine); PubMed 22949429 (cited by Laboratory for Molecular Medicine, Mass General Brigham Personalized Medicine and Illumina Laboratory Services, Illumina); PubMed 21185501 (cited by Illumina Laboratory Services, Illumina); PubMed 22581653 (cited by Cardiovascular Biomedical Research Unit, Royal Brompton & Harefield NHS Foundation Trust).